The following is an entry in ClinVar:

NM_024867.4(SPEF2):c.3829A>G (p.Met1277Val)

Gene: SPEF2 (sperm flagellar 2; plus strand). Cytogenetic location: 5p13.2.
Variant type: single nucleotide variant.
Coding change: c.3829A>G on transcript NM_024867.4 (MANE Select); coding-DNA position 3829, A replaced by G.
Protein change: p.Met1277Val; replaces methionine 1277 with valine.
Molecular consequence: missense variant.
Genome position (GRCh38, 1-based): chr5:35,771,636, A>G. VCF-style: chr5-35771636-A-G. GRCh37 (hg19) VCF-style: chr5-35771738-A-G.
Other names: short protein forms M1277V.
Identifiers: ClinVar variation 724729 (VCV000724729.7), dbSNP rs202045210, ClinGen allele CA3231238.

ClinVar aggregate classification (germline): Conflicting classifications of pathogenicity. Review status: criteria provided, conflicting classifications (1 of 4 stars). 4 submissions from 4 submitters: Uncertain significance (1); Likely benign (2). 1 of the submissions does not count toward it. Last evaluated 2025-08-11.

Conditions:
Inborn genetic diseases. Identifiers: MedGen C0950123, MeSH D030342.
SPEF2-related disorder. Also called: SPEF2-related condition.

Allele frequency attached by ClinVar (database versions not stated): gnomAD exomes 0.00025; ExAC 0.00027; gnomAD 0.00111 and 0.00122; ESP Exome Variant Server 0.00119; 1000 Genomes Project 0.00120; TOPMed 0.00121; 1000 Genomes Project 30x 0.00125.

Submissions (4):

Ambry Genetics
Classification: Uncertain significance for Inborn genetic diseases. Last evaluated: 2025-08-11. Review status: criteria provided, single submitter. Criteria: Ambry Variant Classification Scheme 2023. Collection method: clinical testing. Allele origin: germline.

Labcorp Genetics (formerly Invitae), Labcorp
Classification: Likely benign. Last evaluated: 2018-06-06. Review status: criteria provided, single submitter. Criteria: Invitae Variant Classification Sherloc (09022015). Collection method: clinical testing. Allele origin: germline.

Breakthrough Genomics
Classification: Likely benign. Review status: criteria provided, single submitter. Criteria: ACMG Guidelines, 2015. Collection method: not provided. Allele origin: germline. Inheritance: Autosomal recessive inheritance. Affected: yes.

PreventionGenetics, part of Exact Sciences
Classification: Likely benign for SPEF2-related condition. Last evaluated: 2022-04-14. Review status: no assertion criteria provided. Collection method: clinical testing. Allele origin: germline. Not counted in ClinVar's aggregate classification.
Comment: This variant is classified as likely benign based on ACMG/AMP sequence variant interpretation guidelines (Richards et al. 2015 PMID: 25741868, with internal and published modifications).